The following is an entry in ClinVar:

ClinVar aggregate classification (germline): Benign/Likely benign. Review status: criteria provided, multiple submitters, no conflicts (2 of 4 stars). 4 submissions from 4 submitters: Benign (1); Likely benign (3). Last evaluated 2025-12-16.

Conditions:
Distal myopathy with posterior leg and anterior hand involvement. Also called: WILLIAMS DISTAL MYOPATHY. Identifiers: Orphanet 63273, MedGen C3279722, MONDO:0013550, OMIM 614065.
Hypertrophic cardiomyopathy 26. Also called: Cardiomyopathy, familial hypertrophic, 26. Identifiers: Orphanet 75249, MedGen C4310749, MONDO:0014883, OMIM 617047.
Myofibrillar myopathy 5. Also called: Filaminopathy (type); FILAMINOPATHY, AUTOSOMAL DOMINANT. Identifiers: Orphanet 171445, MedGen C1836050, MONDO:0012289, OMIM 609524.

Allele frequency attached by ClinVar (database versions not stated): gnomAD 0.00004; gnomAD exomes 0.00004 and 0.00006; ExAC 0.00007; TOPMed 0.00008.
gnomAD v4.1: 72 of 1,613,834 alleles (0.0045%); highest among the groups gnomAD compares: South Asian, 0.011%; 1 homozygote.

Submissions (4):

Labcorp Genetics (formerly Invitae), Labcorp
Classification: Likely benign for Distal myopathy with posterior leg and anterior hand involvement; Myofibrillar myopathy 5; Hypertrophic cardiomyopathy 26. Last evaluated: 2025-12-16. Review status: criteria provided, single submitter. Criteria: Invitae Variant Classification Sherloc (09022015). Collection method: clinical testing. Allele origin: germline.

Blueprint Genetics
Classification: Likely benign. Last evaluated: 2024-10-25. Review status: criteria provided, single submitter. Criteria: ACMG Guidelines, 2015. Collection method: clinical testing. Allele origin: germline.

Women's Health and Genetics/Laboratory Corporation of America, LabCorp
Classification: Benign. Last evaluated: 2024-04-25. Review status: criteria provided, single submitter. Criteria: LabCorp Variant Classification Summary - May 2015. Collection method: clinical testing. Allele origin: germline.

GeneDx
Classification: Likely benign. Last evaluated: 2017-06-15. Review status: criteria provided, single submitter. Criteria: GeneDx Variant Classification (06012015). Collection method: clinical testing. Allele origin: germline. Affected: yes.
Comment: This variant is considered likely benign or benign based on one or more of the following criteria: it is a conservative change, it occurs at a poorly conserved position in the protein, it is predicted to be benign by multiple in silico algorithms, and/or has population frequency not consistent with disease.

NM_001458.5(FLNC):c.4737+18C>T

Gene: FLNC (filamin C; plus strand). Cytogenetic location: 7q32.1.
Variant type: single nucleotide variant.
Coding change: c.4737+18C>T on transcript NM_001458.5 (MANE Select); 18 bases into the intron after coding-DNA position 4737, C replaced by T.
Molecular consequence: intron variant.
Genome position (GRCh38, 1-based): chr7:128,848,735, C>T. VCF-style: chr7-128848735-C-T. GRCh37 (hg19) VCF-style: chr7-128488789-C-T.
Other names: c.4737+18C>T (NM_001127487.2).
Identifiers: ClinVar variation 510022 (VCV000510022.11), dbSNP rs778735721, ClinGen allele CA4475432.